The following is an entry in ClinVar:

NM_016239.4(MYO15A):c.2413C>T (p.Pro805Ser)

Gene: MYO15A (myosin XVA; plus strand). Cytogenetic location: 17p11.2.
Variant type: single nucleotide variant.
Coding change: c.2413C>T on transcript NM_016239.4 (MANE Select); coding-DNA position 2413, C replaced by T.
Protein change: p.Pro805Ser; replaces proline 805 with serine.
Molecular consequence: missense variant.
Genome position (GRCh38, 1-based): chr17:18,121,213, C>T. VCF-style: chr17-18121213-C-T. GRCh37 (hg19) VCF-style: chr17-18024527-C-T.
Other names: short protein forms P805S.
Identifiers: ClinVar variation 2501450 (VCV002501450.2), dbSNP rs2045921404, ClinGen allele CA398584182.
Genomic context (GRCh38, chr17:18,121,213, plus strand): 5'-GGCCTCGGCTACTGCTCACCCTTGGCGCCCCCGTCGCCTCAGCTGTCCTTGCGCACGGGC[C>T]CCTTCCAGCCGCCCTTCCTGCCCCCGGCCCGCCGGCCCCGCTCGCTGCAGGAGTCCCCAG-3'
Protein context (NP_057323.3, residues 795-815): PSPQLSLRTG[Pro805Ser]FQPPFLPPAR

ClinVar aggregate classification (germline): Uncertain significance. Review status: criteria provided, multiple submitters, no conflicts (2 of 4 stars). 2 submissions from 2 submitters: Uncertain significance (2). Last evaluated 2025-08-20.

Conditions:
Inborn genetic diseases. Identifiers: MedGen C0950123, MeSH D030342.

Allele frequency attached by ClinVar (database versions not stated): TOPMed below 0.00001.

Submissions (2):

Ambry Genetics
Classification: Uncertain significance for Inborn genetic diseases. Last evaluated: 2025-08-20. Review status: criteria provided, single submitter. Criteria: Ambry Variant Classification Scheme 2023. Collection method: clinical testing. Allele origin: germline.

GeneDx
Classification: Uncertain significance. Last evaluated: 2022-11-08. Review status: criteria provided, single submitter. Criteria: GeneDx Variant Classification Process June 2021. Collection method: clinical testing. Allele origin: germline. Affected: yes.
Comment: Not observed at significant frequency in large population cohorts (gnomAD); In silico analysis supports that this missense variant does not alter protein structure/function; Has not been previously published as pathogenic or benign to our knowledge